The following is an entry in ClinVar:

ClinVar aggregate classification (germline): Uncertain significance. Review status: criteria provided, multiple submitters, no conflicts (2 of 4 stars). 2 submissions from 2 submitters: Uncertain significance (2). Last evaluated 2025-06-09.

Conditions:
Nemaline myopathy 6 (NEM6). Also called: Nemaline myopathy 6, autosomal dominant. Identifiers: Orphanet 171439, MedGen C1836472, MONDO:0012237, OMIM 609273.
Inborn genetic diseases. Identifiers: MedGen C0950123, MeSH D030342.

Allele frequency attached by ClinVar (database versions not stated): TOPMed 0.00004; gnomAD 0.00005.
gnomAD v4.1: 15 of 1,466,992 alleles (0.001%); highest among the groups gnomAD compares: Middle Eastern, 0.019%; no homozygotes.

Submissions (2):

Labcorp Genetics (formerly Invitae), Labcorp
Classification: Uncertain significance for Nemaline myopathy 6. Last evaluated: 2025-06-09. Review status: criteria provided, single submitter. Criteria: Invitae Variant Classification Sherloc (09022015). Collection method: clinical testing. Allele origin: germline.
Comment: This sequence change replaces threonine, which is neutral and polar, with methionine, which is neutral and non-polar, at codon 176 of the KBTBD13 protein (p.Thr176Met). The frequency data for this variant in the population databases is considered unreliable, as metrics indicate poor data quality at this position in the gnomAD database. This variant has not been reported in the literature in individuals affected with KBTBD13-related conditions. ClinVar contains an entry for this variant (Variation ID: 1910609). Invitae Evidence Modeling of protein sequence and biophysical properties (such as structural, functional, and spatial information, amino acid conservation, physicochemical variation, residue mobility, and thermodynamic stability) indicates that this missense variant is not expected to disrupt KBTBD13 protein function with a negative predictive value of 80%. In summary, the available evidence is currently insufficient to determine the role of this variant in disease. Therefore, it has been classified as a Variant of Uncertain Significance.

Ambry Genetics
Classification: Uncertain significance for Inborn genetic diseases. Last evaluated: 2025-04-03. Review status: criteria provided, single submitter. Criteria: Ambry Variant Classification Scheme 2023. Collection method: clinical testing. Allele origin: germline.

NM_001101362.3(KBTBD13):c.527C>T (p.Thr176Met)

Gene: KBTBD13 (kelch repeat and BTB domain containing 13; plus strand). Cytogenetic location: 15q22.31.
Variant type: single nucleotide variant.
Coding change: c.527C>T on transcript NM_001101362.3 (MANE Select); coding-DNA position 527, C replaced by T.
Protein change: p.Thr176Met; replaces threonine 176 with methionine.
Molecular consequence: missense variant.
Genome position (GRCh38, 1-based): chr15:65,077,342, C>T. VCF-style: chr15-65077342-C-T. GRCh37 (hg19) VCF-style: chr15-65369680-C-T.
Other names: short protein forms T176M.
Identifiers: ClinVar variation 1910609 (VCV001910609.7), dbSNP rs1197938590, ClinGen allele CA392861326.